The following is an entry in ClinVar:

NM_018100.4(EFHC1):c.227A>G (p.Gln76Arg)

Gene: EFHC1 (EF-hand domain containing 1; plus strand). Cytogenetic location: 6p12.2.
Variant type: single nucleotide variant.
Coding change: c.227A>G on transcript NM_018100.4 (MANE Select); coding-DNA position 227, A replaced by G.
Protein change: p.Gln76Arg; replaces glutamine 76 with arginine.
Molecular consequence: missense variant. On other transcripts: non-coding transcript variant (1).
Genome position (GRCh38, 1-based): chr6:52,424,109, A>G. VCF-style: chr6-52424109-A-G. GRCh37 (hg19) VCF-style: chr6-52288907-A-G.
Other names: c.170A>G, p.Gln57Arg (NM_001172420.2); short protein forms Q57R, Q76R.
Identifiers: ClinVar variation 1017689 (VCV001017689.48), dbSNP rs1764252445, ClinGen allele CA364456698.

ClinVar aggregate classification (germline): Uncertain significance (1 of 4 stars; one submission).

Conditions:
Absence seizure. Also called: Absence epilepsy. Identifiers: Orphanet 1941, MedGen C0014553.
Myoclonic epilepsy, juvenile, susceptibility to, 1. Also called: Myoclonic Epilepsy, Juvenile, 1; EJM1. Identifiers: MedGen C1850778, MONDO:0020752, OMIM 254770.

Submission:

Labcorp Genetics (formerly Invitae), Labcorp
Classification: Uncertain significance for Myoclonic epilepsy, juvenile, susceptibility to, 1; Absence seizure. Last evaluated: 2020-01-30. Review status: criteria provided, single submitter. Criteria: Invitae Variant Classification Sherloc (09022015). Collection method: clinical testing. Allele origin: germline.
Comment: This sequence change replaces glutamine with arginine at codon 76 of the EFHC1 protein (p.Gln76Arg). The glutamine residue is moderately conserved and there is a small physicochemical difference between glutamine and arginine. This variant is not present in population databases (ExAC no frequency). This variant has not been reported in the literature in individuals with EFHC1-related conditions. Algorithms developed to predict the effect of missense changes on protein structure and function (SIFT, PolyPhen-2, Align-GVGD) all suggest that this variant is likely to be tolerated, but these predictions have not been confirmed by published functional studies and their clinical significance is uncertain. In summary, the available evidence is currently insufficient to determine the role of this variant in disease. Therefore, it has been classified as a Variant of Uncertain Significance.